The following is an entry in ClinVar:

NM_005097.4(LGI1):c.1171C>T (p.Pro391Ser)

Gene: LGI1 (leucine rich glioma inactivated 1; plus strand). Cytogenetic location: 10q23.33.
Variant type: single nucleotide variant.
Coding change: c.1171C>T on transcript NM_005097.4 (MANE Select); coding-DNA position 1171, C replaced by T.
Protein change: p.Pro391Ser; replaces proline 391 with serine.
Molecular consequence: missense variant. On other transcripts: non-coding transcript variant (1), intron variant (1).
Genome position (GRCh38, 1-based): chr10:93,797,300, C>T. VCF-style: chr10-93797300-C-T. GRCh37 (hg19) VCF-style: chr10-95557057-C-T.
Other names: c.1027C>T, p.Pro343Ser (NM_001308276.2); c.839-449C>T (NM_001308275.2); short protein forms P343S, P391S.
Identifiers: ClinVar variation 2856344 (VCV002856344.3), dbSNP rs2492918758, ClinGen allele CA377628082.

ClinVar aggregate classification (germline): Uncertain significance (1 of 4 stars; one submission).

Conditions:
Autosomal dominant epilepsy with auditory features. Identifiers: Orphanet 101046, MedGen C1838062, MONDO:0010898.

Submission:

Labcorp Genetics (formerly Invitae), Labcorp
Classification: Uncertain significance for Autosomal dominant epilepsy with auditory features. Last evaluated: 2024-10-15. Review status: criteria provided, single submitter. Criteria: Invitae Variant Classification Sherloc (09022015). Collection method: clinical testing. Allele origin: germline.
Comment: This sequence change replaces proline, which is neutral and non-polar, with serine, which is neutral and polar, at codon 391 of the LGI1 protein (p.Pro391Ser). This variant is not present in population databases (gnomAD no frequency). This variant has not been reported in the literature in individuals affected with LGI1-related conditions. An algorithm developed to predict the effect of missense changes on protein structure and function (PolyPhen-2) suggests that this variant is likely to be disruptive. In summary, the available evidence is currently insufficient to determine the role of this variant in disease. Therefore, it has been classified as a Variant of Uncertain Significance.